The following is an entry in ClinVar:

ClinVar aggregate classification (germline): Pathogenic/Likely pathogenic. Review status: criteria provided, multiple submitters, no conflicts (2 of 4 stars). 22 submissions from 22 submitters: Pathogenic (7); Likely pathogenic (11). 4 of the submissions do not count toward it. Last evaluated 2026-07-29.

Conditions:
COL6A3-related disorder. Also called: COL6A3-related condition; COL6A3-related disorders.
Fetal anomalies with a likely genetic cause.
Bethlem myopathy 1C (BTHLM1C). Identifiers: MedGen C5935581, MONDO:0958234, OMIM 620726.
Dystonia 27 (DYT27). Identifiers: Orphanet 464440, MedGen C4225336, MONDO:0014627, OMIM 616411.
Ullrich congenital muscular dystrophy 1A. Also called: Ullrich congenital muscular dystrophy 1; Intermediate COL6-RD. Identifiers: Orphanet 75840, MedGen C0410179, MONDO:0009681, OMIM 254090.
Bethlem myopathy 1A. Also called: MYOPATHY, BENIGN CONGENITAL, WITH CONTRACTURES; Bethlem myopathy 1; Bethlem Muscular Dystrophy. Identifiers: Orphanet 610, MedGen CN029274, MONDO:0024530, OMIM 158810.

Allele frequency attached by ClinVar (database versions not stated): ESP Exome Variant Server 0.00046; gnomAD 0.00054 and 0.00057; TOPMed 0.00054; ExAC 0.00055; gnomAD exomes 0.00061 and 0.00074.
gnomAD v4.1: 1,158 of 1,614,090 alleles (0.072%); highest among the groups gnomAD compares: Non-Finnish European, 0.088%; 1 homozygote.

Submissions 1 to 9 of 22:

GeneDx
Classification: Likely pathogenic. Last evaluated: 2026-07-29. Review status: criteria provided, single submitter. Criteria: GeneDx Variant Classification Process June 2021. Collection method: clinical testing. Allele origin: germline.
Comment: Reported previously in the compound heterozygous state and in the homozygous state in patients with Bethlem myopathy, hyperCKemia, and Type 1 fiber predominance on muscle biopsy. One patient who was homozygous for this variant also harbored a pathogenic variant in a separate gene; however, segregation studies could not be completed (PMID: 30706156, 32403337, 38155714); Reported previously in patients with suspected limb girdle muscular dystrophy (PMID: 34720847, 30564623); In silico analysis suggests that this missense variant does not alter protein structure/function; This variant is associated with the following publications: (PMID: 35239206, 26247046, 20576434, 28688748, 29970176, 20976770, 34426522, 33726816, 33596003, 33749658, 32528171, 30487145, 32448721, 32403337, 30564623, 37470033, 36779064, 30706156, 34720847, 37526466, 38127101, 38155714, 36964972, 33441455, 37273706, 35650585, 28991257, 39408606, 40571342)

Genetics Laboratory, Great Ormond Street Hospital NHS Foundation Trust, North Thames Genomic Laboratory Hub
Classification: Pathogenic for Fetal anomalies with a likely genetic cause. Last evaluated: 2026-03-16. Review status: criteria provided, single submitter. Criteria: ACGS Best Practice Guidelines for Variant Classification in Rare Disease 2024 v1.2. Collection method: clinical testing. Allele origin: germline. Affected: yes.
Comment: PP3_supporting, PP1_strong, PM3_very-strong

Women's Health and Genetics/Laboratory Corporation of America, LabCorp
Classification: Pathogenic for Ullrich congenital muscular dystrophy 1A. Last evaluated: 2026-03-06. Review status: criteria provided, single submitter. Criteria: LabCorp Variant Classification Summary - May 2015. Collection method: clinical testing. Allele origin: germline.
Comment: Variant summary: COL6A3 c.7447A>G (p.Lys2483Glu) results in a conservative amino acid change located in the von Willebrand factor, type A repeat domain (IPR002035) of the encoded protein sequence. Algorithms developed to predict the effect of missense changes on protein structure and function are either unavailable or do not agree on the potential impact of this missense change. The variant allele was found at a frequency of 0.00061 in 251446 control chromosomes in the gnomAD database, including 1 homozygote. This frequency is not significantly higher than estimated for disease-causing variants in COL6A3, allowing no conclusion about variant significance. c.7447A>G has been reported in the literature in multiple compound heterozygous and homozygous individuals affected with Limb-girdle muscular dystrophy, and in several cases other causes were ruled out by whole exome sequencing (e.g., Brinas_2010, Hunter_2015, Sframeli_2017, Nallamilli_2018, Fichna_2018, Villar-Quiles_2021, and internal LCA cases). Affected individuals with variant of interest display a relatively mild phenotype (e.g., Bethlem myopathy), often with proximal muscle weakness, skin abnormalities, and joint contractures, however affected individuals do not seem to experience complete loss of ambulation (Villar-Quiles_2021). Individuals who are homozygous for this variant exhibit different clinical features to those who are compound heterozygous, and some do not have typical COL6-related myopathy phenotypes, while all tested parents were healthy heterozygous carriers (Villar-Quiles_2021). The relatively high allele frequency, including an observed homozygous individual in the control population, as well as the different phenotypes observed in the homozygous patients, lead some authors to suggest that this variant may act as a modulator of the clinical phenotype, and recommend using an in-depth analysis of clinical features and ancillary tests in order to interpret the genetic analysis regarding this variant (Villar-Quiles_2021). To our knowledge, no experimental evidence demonstrating an impact on protein function has been reported, although reduced- or normal collagen VI secretion in fibroblasts derived from a subset of homozygous patients was noted (Villar-Quiles_2021). The following publications have been ascertained in the context of this evaluation (PMID: 20976770, 29970176, 26247046, 35239206, 30564623, 28688748, 33749658). ClinVar contains an entry for this variant (Variation ID: 196977). To our knowledge, this variant has not been reported in patients with autosomal dominant myopathy. Based on the evidence outlined above, the variant was classified as pathogenic for Ullrich congenital muscular dystrophy 1-AR, with evidence of milder myopathic phenotypes in biallelic patients.

Labcorp Genetics (formerly Invitae), Labcorp
Classification: Pathogenic for Bethlem myopathy 1A. Last evaluated: 2026-02-03. Review status: criteria provided, single submitter. Criteria: Invitae Variant Classification Sherloc (09022015). Collection method: clinical testing. Allele origin: germline.
Comment: This sequence change replaces lysine, which is basic and polar, with glutamic acid, which is acidic and polar, at codon 2483 of the COL6A3 protein (p.Lys2483Glu). This variant is present in population databases (rs139260335, gnomAD 0.1%), and has an allele count higher than expected for a pathogenic variant. This missense change has been observed in individual(s) with clinical features of autosomal recessive COL6A3-related conditions (PMID: 20976770, 26247046, 28688748, 29970176, 32403337, 32448721, 32528171, 33596003, 33749658; internal data). In at least one individual the data is consistent with being in trans (on the opposite chromosome) from a pathogenic variant. It has also been observed to segregate with disease in related individuals. ClinVar contains an entry for this variant (Variation ID: 196977). Invitae Evidence Modeling of protein sequence and biophysical properties (such as structural, functional, and spatial information, amino acid conservation, physicochemical variation, residue mobility, and thermodynamic stability) has been performed for this missense variant. However, the output from this modeling did not meet the statistical confidence thresholds required to predict the impact of this variant on COL6A3 protein function. For these reasons, this variant has been classified as Pathogenic.

Dasa
Classification: Likely pathogenic. Last evaluated: 2026-01-21. Review status: criteria provided, single submitter. Criteria: DASA Assertion Criteria. Collection method: clinical testing. Allele origin: germline.
Comment: NM_004369.4(COL6A3):c.7447A>G (p.Lys2483Glu) is a missense variant that results in the substitution of lysine with glutamic acid. This variant has been recurrently observed in individuals with related phenotype (PMID: 20976770; PMID: 32528171; PMID: 32448721; PMID: 32403337; PMID: 29970176). Segregation evidence has been reported in affected families. Multiple computational predictions support a deleterious effect on the gene or gene product. The variant is present at low frequency in population datasets. Based on the available data, this variant is classified as likely pathogenic.

Revvity Omics, Revvity
Classification: Likely pathogenic. Last evaluated: 2025-08-01. Review status: criteria provided, single submitter. Criteria: ACMG Guidelines, 2015. Collection method: clinical testing. Allele origin: germline.

PreventionGenetics, part of Exact Sciences
Classification: Pathogenic for COL6A3-related condition. Last evaluated: 2025-07-28. Review status: criteria provided, single submitter. Criteria: ACMG Guidelines, 2015. Collection method: clinical testing. Allele origin: germline.
Comment: The COL6A3 c.7447A>G variant is predicted to result in the amino acid substitution p.Lys2483Glu. This variant has been reported the homozygous and compound heterozygous states in multiple individuals with COL6A3-related myopathies (see for example, Panadés-de Oliveira et al. 2019. PubMed ID: 30706156; Villar-Quiles et al. 2021. PubMed ID: 33749658; Zídková et al. 2023. PubMed ID: 37526466) and has also been shown to co-segregate with disease in multiple families (Hunter et al. 2015. PubMed ID: 26247046; Stavusis et al. 2020. PubMed ID: 32448721; Mihaylova et al. 2021. PubMed ID: 33596003; Villar-Quiles et al. 2021. PubMed ID: 33749658). This variant is reported in 0.10% of alleles in individuals of European (Non-Finnish) descent in gnomAD. Taken together, this variant is interpreted as pathogenic for autosomal recessive COL6A3-related myopathies.

Laboratory of Genetics, Children's Clinical University Hospital Latvia
Classification: Pathogenic. Last evaluated: 2025-02-16. Review status: criteria provided, single submitter. Criteria: ACMG Guidelines, 2015. Collection method: clinical testing. Allele origin: germline. Affected: yes.

Blueprint Genetics
Classification: Likely pathogenic for COL6A3-related disorders. Last evaluated: 2024-11-01. Review status: criteria provided, single submitter. Criteria: ACMG Guidelines, 2015. Collection method: clinical testing. Allele origin: germline. Affected: yes. Observed: 5 variant alleles.

NM_004369.4(COL6A3):c.7447A>G (p.Lys2483Glu)

Gene: COL6A3 (collagen type VI alpha 3 chain; minus strand). Cytogenetic location: 2q37.3.
Variant type: single nucleotide variant.
Coding change: c.7447A>G on transcript NM_004369.4 (MANE Select); coding-DNA position 7447, A replaced by G.
Protein change: p.Lys2483Glu; replaces lysine 2483 with glutamic acid.
Molecular consequence: missense variant.
Genome position (GRCh38, 1-based): chr2:237,344,571, T>C on the plus strand (A>G on the coding strand, the complement: COL6A3 is on the minus strand). VCF-style: chr2-237344571-T-C. GRCh37 (hg19) VCF-style: chr2-238253214-T-C.
Other names: COL6A3, LYS2483GLU (rs139260335); c.5626A>G, p.Lys1876Glu (NM_057166.5); c.6829A>G, p.Lys2277Glu (NM_057167.4); short protein forms K2483E, K1876E, K2277E.
Identifiers: ClinVar variation 196977 (VCV000196977.111), dbSNP rs139260335, ClinGen allele CA244831.
Genomic context (GRCh38, chr2:237,344,571, plus strand): 5'-TCACACGCTTAAATGTGTTCCTGGCCACAAACGACATGGCAGTCTCCAGACTCTGCTGTT[T>C]GGATGTCAGAGCCACCTGAAGGTTCTTAATCTTGTCCAGGAGGACCGACTTCCTCTTGGA-3'
Protein context (NP_004360.2, residues 2473-2493): IKNLQVALTS[Lys2483Glu]QQSLETAMSF